The following is an entry in ClinVar:

ClinVar aggregate classification (germline): Uncertain significance. Review status: criteria provided, multiple submitters, no conflicts (2 of 4 stars). 2 submissions from 2 submitters: Uncertain significance (2). Last evaluated 2021-09-01.

Conditions:
Familial adenomatous polyposis 1 (FAP1). Also called: FAMILIAL ADENOMATOUS POLYPOSIS 1, ATTENUATED; POLYPOSIS, ADENOMATOUS INTESTINAL. Identifiers: MedGen C2713442, MONDO:0021056, OMIM 175100. Disease mechanism: loss of function.
Hereditary cancer-predisposing syndrome. Also called: Tumor predisposition; Hereditary neoplastic syndrome; Neoplastic Syndromes, Hereditary; Hereditary Cancer Syndrome. Identifiers: Orphanet 140162, MedGen C0027672, MeSH D009386, MONDO:0015356.

Submissions (2):

Labcorp Genetics (formerly Invitae), Labcorp
Classification: Uncertain significance for Familial adenomatous polyposis 1. Last evaluated: 2021-09-01. Review status: criteria provided, single submitter. Criteria: Invitae Variant Classification Sherloc (09022015). Collection method: clinical testing. Allele origin: germline.
Comment: This sequence change replaces valine with leucine at codon 1708 of the APC protein (p.Val1708Leu). The valine residue is weakly conserved and there is a small physicochemical difference between valine and leucine. This variant is not present in population databases (ExAC no frequency). This variant has not been reported in the literature in individuals affected with APC-related conditions. Algorithms developed to predict the effect of missense changes on protein structure and function output the following: SIFT: "Tolerated"; PolyPhen-2: "Benign"; Align-GVGD: "Class C0". The leucine amino acid residue is found in multiple mammalian species, which suggests that this missense change does not adversely affect protein function. In summary, the available evidence is currently insufficient to determine the role of this variant in disease. Therefore, it has been classified as a Variant of Uncertain Significance.

Ambry Genetics
Classification: Uncertain significance for Hereditary cancer-predisposing syndrome. Last evaluated: 2021-08-11. Review status: criteria provided, single submitter. Criteria: Ambry Variant Classification Scheme 2023. Collection method: clinical testing. Allele origin: germline.
Comment: The p.V1708L variant (also known as c.5122G>C), located in coding exon 15 of the APC gene, results from a G to C substitution at nucleotide position 5122. The valine at codon 1708 is replaced by leucine, an amino acid with highly similar properties. This amino acid position is not well conserved in available vertebrate species. In addition, in silico predictors for this gene do not accurately predict pathogenicity. Since supporting evidence is limited at this time, the clinical significance of this alteration remains unclear.

NM_000038.6(APC):c.5122G>C (p.Val1708Leu)

Gene: APC (APC regulator of Wnt signaling pathway; plus strand). Cytogenetic location: 5q22.2.
Variant type: single nucleotide variant.
Coding change: c.5122G>C on transcript NM_000038.6 (MANE Select); coding-DNA position 5122, G replaced by C.
Protein change: p.Val1708Leu; replaces valine 1708 with leucine.
Molecular consequence: missense variant.
Genome position (GRCh38, 1-based): chr5:112,840,716, G>C. VCF-style: chr5-112840716-G-C. GRCh37 (hg19) VCF-style: chr5-112176413-G-C.
Other names: c.5122G>C, p.Val1708Leu (NM_001127510.3, NM_001354895.2); c.5068G>C, p.Val1690Leu (NM_001127511.3); c.5176G>C, p.Val1726Leu (NM_001354896.2); c.5152G>C, p.Val1718Leu (NM_001354897.2); c.5047G>C, p.Val1683Leu (NM_001354898.2); c.5038G>C, p.Val1680Leu (NM_001354899.2); c.4999G>C, p.Val1667Leu (NM_001354900.2); c.4945G>C, p.Val1649Leu (NM_001354901.2); and 5 more; short protein forms V1425L, V1548L, V1582L, V1607L, V1617L, V1649L, V1667L, V1680L.
Identifiers: ClinVar variation 1010431 (VCV001010431.9), dbSNP rs1580656477, ClinGen allele CA16032525.
Genomic context (GRCh38, chr5:112,840,716, plus strand): 5'-GATACCATTCCTACAGAAGGCAGAAGTACAGATGAGGCTCAAGGAGGAAAAACCTCATCT[G>C]TAACCATACCTGAATTGGATGACAATAAAGCAGAGGAAGGTGATATTCTTGCAGAATGCA-3'
Protein context (NP_000029.2, residues 1698-1718): DEAQGGKTSS[Val1708Leu]TIPELDDNKA